The following is an entry in ClinVar:

NM_006514.4(SCN10A):c.4379G>C (p.Arg1460Pro)

Gene: SCN10A (sodium voltage-gated channel alpha subunit 10; minus strand). Cytogenetic location: 3p22.2.
Variant type: single nucleotide variant.
Coding change: c.4379G>C on transcript NM_006514.4 (MANE Select); coding-DNA position 4379, G replaced by C.
Protein change: p.Arg1460Pro; replaces arginine 1460 with proline.
Molecular consequence: missense variant.
Genome position (GRCh38, 1-based): chr3:38,707,286, C>G on the plus strand (G>C on the coding strand, the complement: SCN10A is on the minus strand). VCF-style: chr3-38707286-C-G. GRCh37 (hg19) VCF-style: chr3-38748777-C-G.
Other names: c.4376G>C, p.Arg1459Pro (NM_001293306.2); c.4085G>C, p.Arg1362Pro (NM_001293307.2); short protein forms R1362P, R1459P, R1460P.
Identifiers: ClinVar variation 644748 (VCV000644748.3), dbSNP rs369399424, ClinGen allele CA2319921.

ClinVar aggregate classification (germline): Conflicting classifications of pathogenicity. Review status: criteria provided, conflicting classifications (1 of 4 stars). 2 submissions from 2 submitters: Uncertain significance (1); Likely benign (1). Last evaluated 2020-09-16.

Conditions:
Brugada syndrome. Also called: Sudden unexplained nocturnal death syndrome; Sudden unexpected nocturnal death syndrome; Sudden Unexplained Nocturnal Death Syndrome (SUNDS); Sudden Unexplained Death Syndrome. Identifiers: Orphanet 130, MedGen C1142166, MONDO:0015263.
Cardiovascular phenotype. Identifiers: MedGen CN230736.

Allele frequency attached by ClinVar (database versions not stated): TOPMed 0.00002.
gnomAD v4.1: 9 of 1,613,874 alleles (0.00056%); highest among the groups gnomAD compares: East Asian, 0.02%; no homozygotes.

Submissions (2):

Ambry Genetics
Classification: Likely benign for Cardiovascular phenotype. Last evaluated: 2020-09-16. Review status: criteria provided, single submitter. Criteria: Ambry Variant Classification Scheme 2023. Collection method: clinical testing. Allele origin: germline.

Labcorp Genetics (formerly Invitae), Labcorp
Classification: Uncertain significance for Brugada syndrome. Last evaluated: 2018-11-07. Review status: criteria provided, single submitter. Criteria: Invitae Variant Classification Sherloc (09022015). Collection method: clinical testing. Allele origin: germline.
Comment: This sequence change replaces arginine with proline at codon 1460 of the SCN10A protein (p.Arg1460Pro). The arginine residue is highly conserved and there is a moderate physicochemical difference between arginine and proline. This variant is present in population databases (rs369399424, ExAC 0.02%). This variant has been observed in an individual affected with Brugada syndrome (PMID:Â¬â€ 27272739). Algorithms developed to predict the effect of missense changes on protein structure and function are either unavailable or do not agree on the potential impact of this missense change (SIFT: "Deleterious"; PolyPhen-2: "Probably Damaging"; Align-GVGD: "Class C0"). In summary, the available evidence is currently insufficient to determine the role of this variant in disease. Therefore, it has been classified as a Variant of Uncertain Significance.

Literature cited by the submitters: PubMed 27272739 (cited by Ambry Genetics).